The following is an entry in ClinVar:

ClinVar aggregate classification (germline): Uncertain significance (1 of 4 stars; one submission).

Conditions:
Inborn genetic diseases. Identifiers: MedGen C0950123, MeSH D030342.

gnomAD v4.1: 2 of 1,613,290 alleles (0.00012%); highest among the groups gnomAD compares: South Asian, 0.0011%; no homozygotes.

Submission:

Ambry Genetics
Classification: Uncertain significance for Inborn genetic diseases. Last evaluated: 2025-09-19. Review status: criteria provided, single submitter. Criteria: Ambry Variant Classification Scheme 2023. Collection method: clinical testing. Allele origin: germline.
Comment: The p.Q1502R variant (also known as c.4505A>G), located in coding exon 30 of the ANKRD26 gene, results from an A to G substitution at nucleotide position 4505. The glutamine at codon 1502 is replaced by arginine, an amino acid with highly similar properties. This amino acid position is conserved. In addition, this alteration is predicted to be tolerated by in silico analysis. Based on the available evidence, the clinical significance of this variant remains unclear.

NM_014915.3(ANKRD26):c.4505A>G (p.Gln1502Arg)

Gene: ANKRD26 (ankyrin repeat domain 26; minus strand). Cytogenetic location: 10p12.1.
Variant type: single nucleotide variant.
Coding change: c.4505A>G on transcript NM_014915.3 (MANE Select); coding-DNA position 4505, A replaced by G.
Protein change: p.Gln1502Arg; replaces glutamine 1502 with arginine.
Molecular consequence: missense variant.
Genome position (GRCh38, 1-based): chr10:27,017,503, T>C on the plus strand (A>G on the coding strand, the complement: ANKRD26 is on the minus strand). VCF-style: chr10-27017503-T-C. GRCh37 (hg19) VCF-style: chr10-27306432-T-C.
Other names: c.4502A>G, p.Gln1501Arg (NM_001256053.2); short protein forms Q1501R, Q1502R.
Identifiers: ClinVar variation 4578787 (VCV004578787.1).